The following is an entry in ClinVar:

NM_002907.4(RECQL):c.118A>C (p.Lys40Gln)

Gene: RECQL (RecQ like helicase; minus strand). Cytogenetic location: 12p12.1.
Variant type: single nucleotide variant.
Coding change: c.118A>C on transcript NM_002907.4 (MANE Select); coding-DNA position 118, A replaced by C.
Protein change: p.Lys40Gln; replaces lysine 40 with glutamine.
Molecular consequence: missense variant.
Genome position (GRCh38, 1-based): chr12:21,491,615, T>G on the plus strand (A>C on the coding strand, the complement: RECQL is on the minus strand). VCF-style: chr12-21491615-T-G. GRCh37 (hg19) VCF-style: chr12-21644549-T-G.
Other names: c.118A>C, p.Lys40Gln (NM_032941.3); short protein forms K40Q.
Identifiers: ClinVar variation 1384169 (VCV001384169.6), dbSNP rs138424869, ClinGen allele CA384134523.

ClinVar aggregate classification (germline): Uncertain significance (1 of 4 stars; one submission).

Submission:

Labcorp Genetics (formerly Invitae), Labcorp
Classification: Uncertain significance. Last evaluated: 2021-10-02. Review status: criteria provided, single submitter. Criteria: Invitae Variant Classification Sherloc (09022015). Collection method: clinical testing. Allele origin: germline.
Comment: This sequence change replaces lysine with glutamine at codon 40 of the RECQL protein (p.Lys40Gln). The lysine residue is weakly conserved and there is a small physicochemical difference between lysine and glutamine. In summary, the available evidence is currently insufficient to determine the role of this variant in disease. Therefore, it has been classified as a Variant of Uncertain Significance. Algorithms developed to predict the effect of missense changes on protein structure and function (SIFT, PolyPhen-2, Align-GVGD) all suggest that this variant is likely to be tolerated. This variant has not been reported in the literature in individuals affected with RECQL-related conditions. This variant is not present in population databases (ExAC no frequency).